The following is an entry in ClinVar:

NM_004068.4(AP2M1):c.792del (p.Phe265fs)

Gene: AP2M1 (adaptor related protein complex 2 subunit mu 1; plus strand). Cytogenetic location: 3q27.1.
Variant type: Deletion.
Coding change: c.792del on transcript NM_004068.4 (MANE Select); coding-DNA position 792, one base deleted (C; older notation c.792delC).
Protein change: p.Phe265fs; shifts the reading frame from phenylalanine 265.
Molecular consequence: frameshift variant.
Genome position (GRCh38, 1-based): chr3:184,181,780, C deleted. VCF-style (leftmost placement, unchanged base first): chr3-184181779-GC-G. GRCh37 (hg19) VCF-style: chr3-183899567-GC-G.
Other names: c.867del, p.Phe290fs (NM_001311198.2); c.786del, p.Phe263fs (NM_001025205.2); short protein forms F263fs, F290fs, F265fs.
Identifiers: ClinVar variation 2853345 (VCV002853345.3), dbSNP rs2473725328, ClinGen allele CA2577975588.

ClinVar aggregate classification (germline): Uncertain significance (1 of 4 stars; one submission).

Submission:

Labcorp Genetics (formerly Invitae), Labcorp
Classification: Uncertain significance. Last evaluated: 2023-05-01. Review status: criteria provided, single submitter. Criteria: Invitae Variant Classification Sherloc (09022015). Collection method: clinical testing. Allele origin: germline.
Comment: In summary, the available evidence is currently insufficient to determine the role of this variant in disease. Therefore, it has been classified as a Variant of Uncertain Significance. This variant has not been reported in the literature in individuals affected with AP2M1-related conditions. This variant is not present in population databases (gnomAD no frequency). This sequence change creates a premature translational stop signal (p.Phe265Leufs*11) in the AP2M1 gene. It is expected to result in an absent or disrupted protein product. However, the current clinical and genetic evidence is not sufficient to establish whether loss-of-function variants in AP2M1 cause disease.